The following is an entry in ClinVar:

NM_001692.4(ATP6V1B1):c.380dup (p.Asn127fs)

Gene: ATP6V1B1 (ATPase H+ transporting V1 subunit B1; plus strand). Cytogenetic location: 2p13.3.
Variant type: Duplication.
Coding change: c.380dup on transcript NM_001692.4 (MANE Select); coding-DNA position 380, one base duplicated (A; older notation c.380dupA).
Protein change: p.Asn127fs; shifts the reading frame from asparagine 127.
Molecular consequence: frameshift variant.
Genome position (GRCh38, 1-based): chr2:70,959,030, A duplicated; the last of 2 consecutive A bases (chr2:70,959,029-70,959,030); duplicating either gives the same sequence. VCF-style (leftmost placement, unchanged base first): chr2-70959028-C-CA. GRCh37 (hg19) VCF-style: chr2-71186158-C-CA.
Other names: short protein forms N127fs.
Identifiers: ClinVar variation 5015457 (VCV005015457.1).

ClinVar aggregate classification (germline): Pathogenic (1 of 4 stars; one submission).

Conditions:
Renal tubular acidosis with progressive nerve deafness. Also called: RENAL TUBULAR ACIDOSIS, AUTOSOMAL RECESSIVE, WITH PROGRESSIVE NERVE DEAFNESS; RTA WITH PROGRESSIVE NERVE DEAFNESS; Distal Renal Tubular Acidosis with Progressive Sensorineural Deafness; renal tubular acidosis, distal, 2, with progressive sensorineural hearing loss. Identifiers: MedGen C0403554, MONDO:0009968, OMIM 267300.

Submission:

Myriad Genetics, Inc.
Classification: Pathogenic for Renal tubular acidosis with progressive nerve deafness. Last evaluated: 2026-01-21. Review status: criteria provided, single submitter. Criteria: Myriad Autosomal Dominant, Autosomal Recessive and X-Linked Classification Criteria (2023). Collection method: clinical testing. Allele origin: unknown.
Comment: NM_001692.3(ATP6V1B1):c.380dupA(N127Kfs*8) is expected to be pathogenic in the context of distal renal tubular acidosis with deafness, ATP6V1B1-related. This variant is predicted to lead to an abnormal or absent protein product due to the creation of a premature termination codon in ATP6V1B1, a gene where loss-of-function variants are known to be pathogenic. Please note: this variant was assessed in the context of healthy population screening.